The following is an entry in ClinVar:

ClinVar aggregate classification (germline): Benign/Likely benign. Review status: criteria provided, multiple submitters, no conflicts (2 of 4 stars). 5 submissions from 5 submitters: Benign (1); Likely benign (4). Last evaluated 2026-01-18.

Conditions:
Inborn genetic diseases. Identifiers: MedGen C0950123, MeSH D030342.

Allele frequency attached by ClinVar (database versions not stated): TOPMed 0.00010; gnomAD 0.00013; gnomAD exomes 0.00014 and 0.00025; ESP Exome Variant Server 0.00023; ExAC 0.00045.
gnomAD v4.1: 224 of 1,614,036 alleles (0.014%); highest among the groups gnomAD compares: Non-Finnish European, 0.017%; 1 homozygote.

Submissions (5):

Labcorp Genetics (formerly Invitae), Labcorp
Classification: Likely benign. Last evaluated: 2026-01-18. Review status: criteria provided, single submitter. Criteria: Invitae Variant Classification Sherloc (09022015). Collection method: clinical testing. Allele origin: germline.

CeGaT Center for Human Genetics Tuebingen
Classification: Likely benign. Last evaluated: 2024-11-01. Review status: criteria provided, single submitter. Criteria: CeGaT Center For Human Genetics Tuebingen Variant Classification Criteria Version 2. Collection method: clinical testing. Allele origin: germline. Affected: yes. Observed: 1 variant allele.
Comment: MRAS: BP4, BP7

Women's Health and Genetics/Laboratory Corporation of America, LabCorp
Classification: Benign. Last evaluated: 2024-07-08. Review status: criteria provided, single submitter. Criteria: LabCorp Variant Classification Summary - May 2015. Collection method: clinical testing. Allele origin: germline.

Blueprint Genetics
Classification: Likely benign. Last evaluated: 2022-12-23. Review status: criteria provided, single submitter. Criteria: ACMG Guidelines, 2015. Collection method: clinical testing. Allele origin: germline.

Ambry Genetics
Classification: Likely benign for Inborn genetic diseases. Last evaluated: 2020-07-11. Review status: criteria provided, single submitter. Criteria: Ambry Variant Classification Scheme 2023. Collection method: clinical testing. Allele origin: germline.

NM_001085049.3(MRAS):c.540G>A (p.Pro180=)

Gene: MRAS (muscle RAS oncogene homolog; plus strand). Cytogenetic location: 3q22.3.
Variant type: single nucleotide variant.
Coding change: c.540G>A on transcript NM_001085049.3 (MANE Select); coding-DNA position 540, G replaced by A.
Protein change: p.Pro180=; no amino-acid change (proline 180 retained).
Molecular consequence: synonymous variant.
Genome position (GRCh38, 1-based): chr3:138,402,182, G>A. VCF-style: chr3-138402182-G-A. GRCh37 (hg19) VCF-style: chr3-138121024-G-A.
Other names: c.540G>A, p.Pro180= (NM_001252090.2, NM_012219.4); c.312G>A, p.Pro104= (NM_001252091.1, NM_001252092.2, NM_001252093.2).
Identifiers: ClinVar variation 1603823 (VCV001603823.26), dbSNP rs375850690, ClinGen allele CA2637060.